The following is an entry in ClinVar:

NM_025243.4(SLC19A3):c.865A>G (p.Thr289Ala)

Gene: SLC19A3 (solute carrier family 19 member 3; minus strand). Cytogenetic location: 2q36.3.
Variant type: single nucleotide variant.
Coding change: c.865A>G on transcript NM_025243.4 (MANE Select); coding-DNA position 865, A replaced by G.
Protein change: p.Thr289Ala; replaces threonine 289 with alanine.
Molecular consequence: missense variant.
Genome position (GRCh38, 1-based): chr2:227,698,850, T>C on the plus strand (A>G on the coding strand, the complement: SLC19A3 is on the minus strand). VCF-style: chr2-227698850-T-C. GRCh37 (hg19) VCF-style: chr2-228563566-T-C.
Other names: short protein forms T289A.
Identifiers: ClinVar variation 215157 (VCV000215157.8), dbSNP rs746272588, ClinGen allele CA325272.

ClinVar aggregate classification (germline): Uncertain significance. Review status: criteria provided, multiple submitters, no conflicts (2 of 4 stars). 2 submissions from 2 submitters: Uncertain significance (2). Last evaluated 2025-09-18.

Conditions:
Biotin-responsive basal ganglia disease (BTBGD). Also called: Thiamine metabolism dysfunction syndrome type 2; Thiamine Transporter-2 Deficiency; Thiamine metabolism dysfunction syndrome 2 (biotin- or thiamine-responsive encephalopathy type 2); thiamine-responsive encephalopathy; THIAMINE METABOLISM DYSFUNCTION SYNDROME 2 (BIOTIN- AND THIAMINE-RESPONSIVE TYPE). Identifiers: Orphanet 199348, Orphanet 65284, MedGen C1843807, MONDO:0011841, OMIM 607483.

Allele frequency attached by ClinVar (database versions not stated): gnomAD exomes below 0.00001 and 0.00001; gnomAD 0.00011 and 0.00012; TOPMed 0.00011.
gnomAD v4.1: 28 of 1,614,092 alleles (0.0017%); highest among the groups gnomAD compares: African/African-American, 0.035%; no homozygotes.

Submissions (2):

GeneDx
Classification: Uncertain significance. Last evaluated: 2025-09-18. Review status: criteria provided, single submitter. Criteria: GeneDx Variant Classification Process June 2021. Collection method: clinical testing. Allele origin: germline. Affected: yes.
Comment: Not observed at significant frequency in large population cohorts (gnomAD); In silico analysis supports that this missense variant has a deleterious effect on protein structure/function; Previously reported in a proband with global developmental delays, microcephaly, brain atrophy, central hypotonia with peripheral hypertonia, seizures, and spasticity; however zygosity and segregation data were not provided (PMID: 26077850); This variant is associated with the following publications: (PMID: 26077850)

Labcorp Genetics (formerly Invitae), Labcorp
Classification: Uncertain significance for Biotin-responsive basal ganglia disease. Last evaluated: 2022-07-23. Review status: criteria provided, single submitter. Criteria: Invitae Variant Classification Sherloc (09022015). Collection method: clinical testing. Allele origin: germline.
Comment: This sequence change replaces threonine, which is neutral and polar, with alanine, which is neutral and non-polar, at codon 289 of the SLC19A3 protein (p.Thr289Ala). This variant is present in population databases (rs746272588, gnomAD 0.01%). This missense change has been observed in individual(s) with a neurocognitive disorder (PMID: 26077850). ClinVar contains an entry for this variant (Variation ID: 215157). Advanced modeling of protein sequence and biophysical properties (such as structural, functional, and spatial information, amino acid conservation, physicochemical variation, residue mobility, and thermodynamic stability) performed at Invitae indicates that this missense variant is expected to disrupt SLC19A3 protein function. In summary, the available evidence is currently insufficient to determine the role of this variant in disease. Therefore, it has been classified as a Variant of Uncertain Significance.

Literature cited by the submitters: PubMed 26077850 (cited by Labcorp Genetics (formerly Invitae), Labcorp).